The following is an entry in ClinVar:

ClinVar aggregate classification (germline): Likely pathogenic (1 of 4 stars; one submission).

Allele frequency attached by ClinVar (database versions not stated): gnomAD exomes 0.00001; ExAC 0.00001; gnomAD 0.00003 and 0.00001.
gnomAD v4.1: 6 of 1,613,710 alleles (0.00037%); highest among the groups gnomAD compares: Non-Finnish European, 0.00042%; no homozygotes.

Submission:

GeneDx
Classification: Likely pathogenic. Last evaluated: 2015-12-14. Review status: criteria provided, single submitter. Criteria: GeneDx Variant Classification (06012015). Collection method: clinical testing. Allele origin: germline. Affected: yes.
Comment: The R1450X variant in the FMN2 gene has not been reported previously as a pathogenic variant nor as a benign variant, to our knowledge. This variant is predicted to cause loss of normal proteinfunction either through protein truncation or nonsense-mediated mRNA decay. The R1450X variantwas not observed in approximately 6,500 individuals of European and African American ancestry inthe NHLBI Exome Sequencing Project, indicating it is not a common benign variant in thesepopulations. The R1450X variant is a strong candidate for a pathogenic variant.

NM_020066.5(FMN2):c.4348C>T (p.Arg1450Ter)

Gene: FMN2 (formin 2; plus strand). Cytogenetic location: 1q43.
Variant type: single nucleotide variant.
Coding change: c.4348C>T on transcript NM_020066.5 (MANE Select); coding-DNA position 4348, C replaced by T.
Protein change: p.Arg1450Ter; replaces arginine 1450 with a stop codon.
Molecular consequence: nonsense.
Genome position (GRCh38, 1-based): chr1:240,329,379, C>T. VCF-style: chr1-240329379-C-T. GRCh37 (hg19) VCF-style: chr1-240492679-C-T.
Other names: c.4360C>T, p.Arg1454Ter (NM_001305424.2); c.2269C>T, p.Arg757Ter (NM_001348094.2); short protein forms R1450*, R1454*, R757*.
Identifiers: ClinVar variation 372820 (VCV000372820.1), dbSNP rs762281932, ClinGen allele CA1477488.